The following is an entry in ClinVar:

ClinVar aggregate classification (germline): Uncertain significance (1 of 4 stars; one submission).

Allele frequency attached by ClinVar (database versions not stated): gnomAD exomes below 0.00001; gnomAD 0.00001; TOPMed 0.00003.
gnomAD v4.1: 5 of 1,536,780 alleles (0.00033%); highest among the groups gnomAD compares: African/African-American, 0.0068%; no homozygotes.

Submission:

GeneDx
Classification: Uncertain significance. Last evaluated: 2022-11-18. Review status: criteria provided, single submitter. Criteria: GeneDx Variant Classification Process June 2021. Collection method: clinical testing. Allele origin: germline. Affected: yes.
Comment: In silico analysis supports that this missense variant has a deleterious effect on protein structure/function; Has not been previously published as pathogenic or benign to our knowledge

NM_001378183.1(PIEZO2):c.4458A>C (p.Lys1486Asn)

Gene: PIEZO2 (piezo type mechanosensitive ion channel component 2; minus strand). Cytogenetic location: 18p11.22.
Variant type: single nucleotide variant.
Coding change: c.4458A>C on transcript NM_001378183.1 (MANE Select); coding-DNA position 4458, A replaced by C.
Protein change: p.Lys1486Asn; replaces lysine 1486 with asparagine.
Molecular consequence: missense variant.
Genome position (GRCh38, 1-based): chr18:10,744,198, T>G on the plus strand (A>C on the coding strand, the complement: PIEZO2 is on the minus strand). VCF-style: chr18-10744198-T-G. GRCh37 (hg19) VCF-style: chr18-10744196-T-G.
Other names: c.4458A>C, p.Lys1486Asn (NM_001410871.1); c.4383A>C, p.Lys1461Asn (NM_022068.4); short protein forms K1461N, K1486N.
Identifiers: ClinVar variation 2502745 (VCV002502745.1), dbSNP rs956535313, ClinGen allele CA296019999.
Genomic context (GRCh38, chr18:10,744,198, plus strand): 5'-TTACTGTCGCTTCAGCTGGTCCATGGACTTCTTCTCTTCCTCAATTCTTGCCTTTACAGC[T>G]TTTACAATTGTGGCCTGGAAAAGTTCAGCTCCTCTAAAGGGAAAGTGGAAACATGAACAA-3'
Protein context (NP_001365112.1, residues 1476-1496): GAELFQATIV[Lys1486Asn]AVKARIEEEK